The following is an entry in ClinVar:

NM_001399.5(EDA):c.872G>T (p.Gly291Val)

Gene: EDA (ectodysplasin A; plus strand). Cytogenetic location: Xq13.1.
Variant type: single nucleotide variant.
Coding change: c.872G>T on transcript NM_001399.5 (MANE Select); coding-DNA position 872, G replaced by T.
Protein change: p.Gly291Val; replaces glycine 291 with valine.
Molecular consequence: missense variant.
Genome position (GRCh38, 1-based): chrX:70,033,476, G>T. VCF-style: chrX-70033476-G-T. GRCh37 (hg19) VCF-style: chrX-69253326-G-T.
Other names: c.872G>T, p.Gly291Val (NM_001005609.2); c.863G>T, p.Gly288Val (NM_001005612.3); short protein forms G288V, G291V.
Identifiers: ClinVar variation 2016841 (VCV002016841.4), dbSNP rs886042021, ClinGen allele CA413448926.

ClinVar aggregate classification (germline): Pathogenic (1 of 4 stars; one submission).

Conditions:
Hypohidrotic X-linked ectodermal dysplasia (XHED). Also called: ECTODERMAL DYSPLASIA, HYPOHIDROTIC, 1; CST SYNDROME; Ectodermal Dysplasia 1, Anhidrotic; Anhidrotic ectodermal dysplasia X-linked; ECTODERMAL DYSPLASIA 1; ECTODERMAL DYSPLASIA 1, HYPOHIDROTIC, X-LINKED. Identifiers: Orphanet 181, Orphanet 238468, MedGen C0162359, MONDO:0010585, OMIM 305100.

Submission:

Labcorp Genetics (formerly Invitae), Labcorp
Classification: Pathogenic for Hypohidrotic X-linked ectodermal dysplasia. Last evaluated: 2024-09-11. Review status: criteria provided, single submitter. Criteria: Invitae Variant Classification Sherloc (09022015). Collection method: clinical testing. Allele origin: germline.
Comment: This sequence change replaces glycine, which is neutral and non-polar, with valine, which is neutral and non-polar, at codon 291 of the EDA protein (p.Gly291Val). This variant is not present in population databases (gnomAD no frequency). This missense change has been observed in individual(s) with EDA-related conditions (internal data). In at least one individual the variant was observed to be de novo. ClinVar contains an entry for this variant (Variation ID: 2016841). Invitae Evidence Modeling of protein sequence and biophysical properties (such as structural, functional, and spatial information, amino acid conservation, physicochemical variation, residue mobility, and thermodynamic stability) indicates that this missense variant is expected to disrupt EDA protein function with a positive predictive value of 95%. This variant disrupts the p.Gly291 amino acid residue in EDA. Other variant(s) that disrupt this residue have been determined to be pathogenic (PMID: 9736768, 20979233, 21357618). This suggests that this residue is clinically significant, and that variants that disrupt this residue are likely to be disease-causing. For these reasons, this variant has been classified as Pathogenic.

Literature cited by the submitters: PubMed 9736768; PubMed 20979233; PubMed 21357618.